The following is an entry in ClinVar:

ClinVar aggregate classification (germline): Uncertain significance (1 of 4 stars; one submission).

gnomAD v4.1: 1 of 1,614,152 alleles (0.000062%); highest among the groups gnomAD compares: Non-Finnish European, 0.000085%; no homozygotes.

Submission:

Labcorp Genetics (formerly Invitae), Labcorp
Classification: Uncertain significance. Last evaluated: 2025-11-15. Review status: criteria provided, single submitter. Criteria: Invitae Variant Classification Sherloc (09022015). Collection method: clinical testing. Allele origin: germline.
Comment: This sequence change replaces isoleucine, which is neutral and non-polar, with threonine, which is neutral and polar, at codon 47 of the CD46 protein (p.Ile47Thr). This variant is not present in population databases (gnomAD no frequency). This variant has not been reported in the literature in individuals affected with CD46-related conditions. Invitae Evidence Modeling of protein sequence and biophysical properties (such as structural, functional, and spatial information, amino acid conservation, physicochemical variation, residue mobility, and thermodynamic stability) indicates that this missense variant is not expected to disrupt CD46 protein function with a negative predictive value of 80%. In summary, the available evidence is currently insufficient to determine the role of this variant in disease. Therefore, it has been classified as a Variant of Uncertain Significance.

NM_172351.3(CD46):c.140T>C (p.Ile47Thr)

Gene: CD46 (CD46 molecule; plus strand). Cytogenetic location: 1q32.2.
Variant type: single nucleotide variant.
Coding change: c.140T>C on transcript NM_172351.3 (MANE Select); coding-DNA position 140, T replaced by C.
Protein change: p.Ile47Thr; replaces isoleucine 47 with threonine.
Molecular consequence: missense variant.
Genome position (GRCh38, 1-based): chr1:207,757,056, T>C. VCF-style: chr1-207757056-T-C. GRCh37 (hg19) VCF-style: chr1-207930401-T-C.
Other names: c.140T>C, p.Ile47Thr (NM_002389.4, NM_153826.4, NM_172350.3 and 8 more transcripts); short protein forms I47T.
Identifiers: ClinVar variation 4768736 (VCV004768736.1).
Genomic context (GRCh38, chr1:207,757,056, plus strand): 5'-CTATTCTCTTATCCCTAGATGCCTGTGAGGAGCCACCAACATTTGAAGCTATGGAGCTCA[T>C]TGGTAAACCAAAACCCTACTATGAGATTGGTGAACGAGTAGATTATAAGTGTAAAAAAGG-3'
Protein context (NP_758861.1, residues 37-57): EPPTFEAMEL[Ile47Thr]GKPKPYYEIG